The following is an entry in ClinVar:

ClinVar aggregate classification (germline): Uncertain significance. Review status: criteria provided, multiple submitters, no conflicts (2 of 4 stars). 2 submissions from 2 submitters: Uncertain significance (2). Last evaluated 2026-01-12.

Conditions:
Cardiomyopathy (CMYO). Also called: Cardiomyopathies. Identifiers: Orphanet 167848, MedGen C0878544, MONDO:0004994, HP:0001638. Inheritance: Various modes of inheritance.
Arrhythmogenic cardiomyopathy with wooly hair and keratoderma. Also called: Carvajal syndrome; Arrhythmogenic cardiomyopathy with woolly hair and keratoderma; Dilated cardiomyopathy with woolly hair and keratoderma; PALMOPLANTAR KERATODERMA WITH LEFT VENTRICULAR CARDIOMYOPATHY AND WOOLLY HAIR. Identifiers: Orphanet 65282, MedGen C1854063, MONDO:0011581, OMIM 605676.
Arrhythmogenic right ventricular dysplasia 8 (ARVD8). Also called: ARRHYTHMOGENIC RIGHT VENTRICULAR DYSPLASIA, FAMILIAL, 8; Arrhythmogenic Right Ventricular Dysplasia/Cardiomyopathy 8; ARRHYTHMOGENIC RIGHT VENTRICULAR CARDIOMYOPATHY 8. Identifiers: MedGen C1843896, MONDO:0011831, OMIM 607450.

Allele frequency attached by ClinVar (database versions not stated): gnomAD 0.00001; TOPMed 0.00001.
gnomAD v4.1: 2 of 1,613,978 alleles (0.00012%); highest among the groups gnomAD compares: African/African-American, 0.0013%; no homozygotes.

Submissions (2):

Labcorp Genetics (formerly Invitae), Labcorp
Classification: Uncertain significance for Arrhythmogenic cardiomyopathy with wooly hair and keratoderma; Arrhythmogenic right ventricular dysplasia 8. Last evaluated: 2026-01-12. Review status: criteria provided, single submitter. Criteria: Invitae Variant Classification Sherloc (09022015). Collection method: clinical testing. Allele origin: germline.
Comment: This sequence change replaces glutamine, which is neutral and polar, with arginine, which is basic and polar, at codon 1621 of the DSP protein (p.Gln1621Arg). This variant is not present in population databases (gnomAD no frequency). This variant has not been reported in the literature in individuals affected with DSP-related conditions. ClinVar contains an entry for this variant (Variation ID: 1473627). An algorithm developed to predict the effect of missense changes on protein structure and function (PolyPhen-2) suggests that this variant is likely to be tolerated. In summary, the available evidence is currently insufficient to determine the role of this variant in disease. Therefore, it has been classified as a Variant of Uncertain Significance.

Color Diagnostics, LLC DBA Color Health
Classification: Uncertain significance for Cardiomyopathy. Last evaluated: 2025-08-30. Review status: criteria provided, single submitter. Criteria: ACMG Guidelines, 2015. Collection method: clinical testing. Allele origin: germline.
Comment: This missense variant replaces glutamine with arginine at codon 1621 of the DSP protein. Computational prediction suggests that this variant may not impact protein structure and function. To our knowledge, functional studies have not been reported for this variant. This variant has not been reported in individuals affected with DSP-related disorders in the literature. This variant has not been identified in the general population by the Genome Aggregation Database (gnomAD). The available evidence is insufficient to determine the role of this variant in disease conclusively. Therefore, this variant is classified as a Variant of Uncertain Significance.

NM_004415.4(DSP):c.4862A>G (p.Gln1621Arg)

Gene: DSP (desmoplakin; plus strand). Cytogenetic location: 6p24.3.
Variant type: single nucleotide variant.
Coding change: c.4862A>G on transcript NM_004415.4 (MANE Select); coding-DNA position 4862, A replaced by G.
Protein change: p.Gln1621Arg; replaces glutamine 1621 with arginine.
Molecular consequence: missense variant. On other transcripts: intron variant (2).
Genome position (GRCh38, 1-based): chr6:7,581,052, A>G. VCF-style: chr6-7581052-A-G. GRCh37 (hg19) VCF-style: chr6-7581285-A-G.
Other names: c.4050+812A>G (NM_001319034.2); c.3582+1280A>G (NM_001008844.3); short protein forms Q1621R.
Identifiers: ClinVar variation 1473627 (VCV001473627.9), dbSNP rs1226931552, ClinGen allele CA362687323.